The following is an entry in ClinVar:

ClinVar aggregate classification (germline): Conflicting classifications of pathogenicity. Review status: criteria provided, conflicting classifications (1 of 4 stars). 2 submissions from 2 submitters: Uncertain significance (1); Benign (1). Last evaluated 2023-04-01.

Conditions:
Spinocerebellar ataxia type 23 (SCA23). Identifiers: Orphanet 101108, MedGen C1853250, MONDO:0012449, OMIM 610245.

Allele frequency attached by ClinVar (database versions not stated): 1000 Genomes Project 30x 0.00031; TOPMed 0.00082; gnomAD 0.00124 and 0.00129; gnomAD exomes 0.00741.
gnomAD v4.1: 189 of 152,582 alleles (0.12%); highest among the groups gnomAD compares: Non-Finnish European, 0.17%; 1 homozygote.

Submissions (2):

CeGaT Center for Human Genetics Tuebingen
Classification: Benign. Last evaluated: 2023-04-01. Review status: criteria provided, single submitter. Criteria: CeGaT Center For Human Genetics Tuebingen Variant Classification Criteria Version 2. Collection method: clinical testing. Allele origin: germline. Affected: yes. Observed: 2 variant alleles.
Comment: PDYN: BS1, BS2

Illumina Laboratory Services, Illumina
Classification: Uncertain significance for Spinocerebellar ataxia type 23. Last evaluated: 2018-01-13. Review status: criteria provided, single submitter. Criteria: ICSL Variant Classification Criteria 13 December 2019. Collection method: clinical testing. Allele origin: germline.

NM_024411.5(PDYN):c.*1071G>A

Genes: PDYN (prodynorphin; minus strand), PDYN-AS1 (PDYN antisense RNA 1; plus strand). Cytogenetic location: 20p13.
Variant type: single nucleotide variant.
Coding change: c.*1071G>A on transcript NM_024411.5 (MANE Select); 1071 bases downstream of the stop codon, G replaced by A.
Molecular consequence: 3 prime UTR variant.
Genome position (GRCh38, 1-based): chr20:1,979,252, C>T on the plus strand (G>A on the coding strand, the complement: PDYN is on the minus strand). VCF-style: chr20-1979252-C-T. GRCh37 (hg19) VCF-style: chr20-1959898-C-T.
Other names: c.*1071G>A (NM_001190892.1, NM_001190898.3, NM_001190899.2 and 1 more transcripts).
Identifiers: ClinVar variation 337813 (VCV000337813.29), dbSNP rs752953257, ClinGen allele CA10643526.